The following is an entry in ClinVar:

NC_000012.12:g.121641213C>T

Gene: ORAI1 (ORAI calcium release-activated calcium modulator 1; plus strand). Cytogenetic location: 12q24.31.
Variant type: single nucleotide variant.
Genome position: GRCh38 VCF-style: chr12-121641213-C-T. GRCh37 (hg19) VCF-style: chr12-122079119-C-T.
Other names: c.476C>T, p.Ser159Leu (NM_032790.4); short protein forms S159L.
Identifiers: ClinVar variation 1394139 (VCV001394139.6), dbSNP rs781929515, ClinGen allele CA6837496.

ClinVar aggregate classification (germline): Uncertain significance (1 of 4 stars; one submission).

Conditions:
Myopathy, tubular aggregate, 2 (TAM2). Identifiers: MedGen C4014557, MONDO:0014383, OMIM 615883.
Combined immunodeficiency due to ORAI1 deficiency. Also called: IMMUNODEFICIENCY 9. Identifiers: Orphanet 169090, Orphanet 317428, MedGen C2748568, MONDO:0013007, OMIM 612782.

Allele frequency attached by ClinVar (database versions not stated): ExAC 0.00001; gnomAD 0.00001; TOPMed 0.00001.

Submission:

Labcorp Genetics (formerly Invitae), Labcorp
Classification: Uncertain significance for Myopathy, tubular aggregate, 2; Combined immunodeficiency due to ORAI1 deficiency. Last evaluated: 2024-08-22. Review status: criteria provided, single submitter. Criteria: Invitae Variant Classification Sherloc (09022015). Collection method: clinical testing. Allele origin: germline.
Comment: This sequence change replaces serine, which is neutral and polar, with leucine, which is neutral and non-polar, at codon 159 of the ORAI1 protein (p.Ser159Leu). This variant is present in population databases (rs781929515, gnomAD 0.01%). This variant has not been reported in the literature in individuals affected with ORAI1-related conditions. ClinVar contains an entry for this variant (Variation ID: 1394139). Algorithms developed to predict the effect of variants on gene product structure and function are not available or were not evaluated for this variant. Experimental studies have shown that this missense change affects ORAI1 function (PMID: 29184031). In summary, the available evidence is currently insufficient to determine the role of this variant in disease. Therefore, it has been classified as a Variant of Uncertain Significance.

Literature cited by the submitters: PubMed 29184031.